The following is an entry in ClinVar:

NM_000094.4(COL7A1):c.5746G>A (p.Gly1916Arg)

Gene: COL7A1 (collagen type VII alpha 1 chain; minus strand). Cytogenetic location: 3p21.31.
Variant type: single nucleotide variant.
Coding change: c.5746G>A on transcript NM_000094.4 (MANE Select); coding-DNA position 5746, G replaced by A.
Protein change: p.Gly1916Arg; replaces glycine 1916 with arginine.
Molecular consequence: missense variant.
Genome position (GRCh38, 1-based): chr3:48,576,426, C>T on the plus strand (G>A on the coding strand, the complement: COL7A1 is on the minus strand). VCF-style: chr3-48576426-C-T. GRCh37 (hg19) VCF-style: chr3-48613859-C-T.
Other names: short protein forms G1916R.
Identifiers: ClinVar variation 3720503 (VCV003720503.2).
Genomic context (GRCh38, chr3:48,576,426, plus strand): 5'-CTACCTGGGCATGTGGAAAAGGTGGGGGCCTCACCTGCTCCCCTTTGGATCCAGTCTCCC[C>T]ACGGTCACCCTGAAAACAAGAATGACCAGGTGGGGAAATGGCCCCCAGCCTGGTCAGCCC-3'
Protein context (NP_000085.1, residues 1906-1926): PGGTGPKGDR[Gly1916Arg]ETGSKGEQGL

ClinVar aggregate classification (germline): Likely pathogenic (1 of 4 stars; one submission).

Submission:

Labcorp Genetics (formerly Invitae), Labcorp
Classification: Likely pathogenic. Last evaluated: 2025-04-28. Review status: criteria provided, single submitter. Criteria: Invitae Variant Classification Sherloc (09022015). Collection method: clinical testing. Allele origin: germline.
Comment: This sequence change replaces glycine, which is neutral and non-polar, with arginine, which is basic and polar, at codon 1916 of the COL7A1 protein (p.Gly1916Arg). This variant is not present in population databases (gnomAD no frequency). This missense change has been observed in individual(s) with epidermolysis bullosa (PMID: 26707537, 38191074; internal data). It has also been observed to segregate with disease in related individuals. ClinVar contains an entry for this variant (Variation ID: 3720503). Invitae Evidence Modeling of protein sequence and biophysical properties (such as structural, functional, and spatial information, amino acid conservation, physicochemical variation, residue mobility, and thermodynamic stability) indicates that this missense variant is expected to disrupt COL7A1 protein function with a positive predictive value of 95%. This variant disrupts the triple helix domain of COL7A1. Glycine residues within the Gly-Xaa-Yaa repeats of the triple helix domain are required for the structure and stability of fibrillar collagens (PMID: 7695699, 8218237, 19344236), and variants at these glycine residues in COL7A1 are more frequently observed in individuals with disease than in the general population (PMID: 22058051). However, the clinical significance of this observation remains uncertain since only a limited number of affected individuals have been described to date. In summary, the currently available evidence indicates that the variant is pathogenic, but additional data are needed to prove that conclusively. Therefore, this variant has been classified as Likely Pathogenic.

Literature cited by the submitters: PubMed 26707537; PubMed 38191074; PubMed 7695699; PubMed 8218237; PubMed 19344236; PubMed 22058051.